The following is an entry in ClinVar:

ClinVar aggregate classification (germline): Likely pathogenic (1 of 4 stars; one submission).

Conditions:
Autosomal recessive Alport syndrome (ATS2). Also called: ALPORT SYNDROME 2, AUTOSOMAL RECESSIVE; Alport syndrome type 2; COL4A4 Alport Syndrome and Thin Basement Membrane Nephropathy; COL4A3-Related Nephropathy. Identifiers: Orphanet 63, Orphanet 88919, MedGen C4746745, MONDO:0008762, OMIM 203780.

Submission:

Myriad Genetics, Inc.
Classification: Likely pathogenic for Autosomal recessive Alport syndrome. Last evaluated: 2019-04-17. Review status: criteria provided, single submitter. Criteria: Myriad Women's Health Autosomal Recessive and X-Linked Classification Criteria (2019). Collection method: clinical testing. Allele origin: unknown.
Comment: NM_000091.4(COL4A3):c.2590C>T(Q864*) is expected to be pathogenic in the context of COL4A3-related Alport syndrome. This variant is predicted to lead to an abnormal or absent protein product due to the creation of a premature termination codon in COL4A3, a gene where loss-of-function variants are known to be pathogenic. Please note: this variant was assessed in the context of healthy population screening.

NM_000091.5(COL4A3):c.2590C>T (p.Gln864Ter)

Genes: MFF-DT (MFF divergent transcript; minus strand), COL4A3 (collagen type IV alpha 3 chain; plus strand). Cytogenetic location: 2q36.3.
Variant type: single nucleotide variant.
Coding change: c.2590C>T on transcript NM_000091.5 (MANE Select); coding-DNA position 2590, C replaced by T.
Protein change: p.Gln864Ter; replaces glutamine 864 with a stop codon.
Molecular consequence: nonsense.
Genome position (GRCh38, 1-based): chr2:227,282,466, C>T. VCF-style: chr2-227282466-C-T. GRCh37 (hg19) VCF-style: chr2-228147182-C-T.
Other names: short protein forms Q864*.
Identifiers: ClinVar variation 984362 (VCV000984362.3), dbSNP rs2072046147, ClinGen allele CA350850509.